The following is an entry in ClinVar:

NM_001001557.4(GDF6):c.305A>G (p.Tyr102Cys)

Gene: GDF6 (growth differentiation factor 6; minus strand). Cytogenetic location: 8q22.1.
Variant type: single nucleotide variant.
Coding change: c.305A>G on transcript NM_001001557.4 (MANE Select); coding-DNA position 305, A replaced by G.
Protein change: p.Tyr102Cys; replaces tyrosine 102 with cysteine.
Molecular consequence: missense variant.
Genome position (GRCh38, 1-based): chr8:96,160,388, T>C on the plus strand (A>G on the coding strand, the complement: GDF6 is on the minus strand). VCF-style: chr8-96160388-T-C. GRCh37 (hg19) VCF-style: chr8-97172616-T-C.
Other names: short protein forms Y102C.
Identifiers: ClinVar variation 954499 (VCV000954499.9), dbSNP rs1204502085, ClinGen allele CA371753529.

ClinVar aggregate classification (germline): Uncertain significance (1 of 4 stars; one submission).

Conditions:
Leber congenital amaurosis 17 (LCA17). Identifiers: Orphanet 65, MedGen C3715164, MONDO:0014145, OMIM 615360.
Microphthalmia, isolated, with coloboma 6 (MCOPCB6). Also called: Microphthalmia with coloboma 6, digenic; Microphthalmia with coloboma 6; MICROPHTHALMIA/COLOBOMA 6. Identifiers: Orphanet 98938, MedGen C3150968, MONDO:0013376, OMIM 613703.
Isolated microphthalmia 4. Identifiers: Orphanet 2542, MedGen C2751307, MONDO:0013130, OMIM 613094.
Klippel-Feil syndrome 1, autosomal dominant (KFS1). Also called: CERVICAL VERTEBRAL FUSION, AUTOSOMAL DOMINANT. Identifiers: Orphanet 2345, MedGen C1861689, MONDO:0007306, OMIM 118100.

Allele frequency attached by ClinVar (database versions not stated): gnomAD 0.00001; gnomAD exomes 0.00001; TOPMed 0.00001.

Submission:

Labcorp Genetics (formerly Invitae), Labcorp
Classification: Uncertain significance for Isolated microphthalmia 4; Leber congenital amaurosis 17; Klippel-Feil syndrome 1, autosomal dominant; Microphthalmia, isolated, with coloboma 6. Last evaluated: 2022-07-06. Review status: criteria provided, single submitter. Criteria: Invitae Variant Classification Sherloc (09022015). Collection method: clinical testing. Allele origin: germline.
Comment: ClinVar contains an entry for this variant (Variation ID: 954499). In summary, the available evidence is currently insufficient to determine the role of this variant in disease. Therefore, it has been classified as a Variant of Uncertain Significance. Algorithms developed to predict the effect of missense changes on protein structure and function are either unavailable or do not agree on the potential impact of this missense change (SIFT: "Deleterious"; PolyPhen-2: "Probably Damaging"; Align-GVGD: "Class C0"). This variant has not been reported in the literature in individuals affected with GDF6-related conditions. This variant is not present in population databases (gnomAD no frequency). This sequence change replaces tyrosine, which is neutral and polar, with cysteine, which is neutral and slightly polar, at codon 102 of the GDF6 protein (p.Tyr102Cys).